The following is an entry in ClinVar:

ClinVar aggregate classification (germline): Pathogenic (1 of 4 stars; one submission).

Conditions:
Inborn genetic diseases. Identifiers: MedGen C0950123, MeSH D030342.

Submission:

Ambry Genetics
Classification: Pathogenic for Inborn genetic diseases. Last evaluated: 2024-10-11. Review status: criteria provided, single submitter. Criteria: Ambry Variant Classification Scheme 2023. Collection method: clinical testing. Allele origin: germline.
Comment: The c.379C>T (p.Q127*) alteration, located in exon 5 (coding exon 5) of the CUX1 gene, consists of a C to T substitution at nucleotide position 379. This changes the amino acid from a glutamine (Q) to a stop codon at amino acid position 127. This alteration is expected to result in loss of function by premature protein truncation or nonsense-mediated mRNA decay. This variant was not reported in population-based cohorts in the Genome Aggregation Database (gnomAD). Based on the available evidence, this alteration is classified as pathogenic.

NM_181552.4(CUX1):c.346C>T (p.Gln116Ter)

Genes: CUX1 (cut like homeobox 1; plus strand), LOC126860126 (P300/CBP strongly-dependent group 1 enhancer GRCh37_chr7:101740358-101741557; plus strand). Cytogenetic location: 7q22.1.
Variant type: single nucleotide variant.
Coding change: c.346C>T on transcript NM_181552.4 (MANE Select); coding-DNA position 346, C replaced by T.
Protein change: p.Gln116Ter; replaces glutamine 116 with a stop codon.
Molecular consequence: nonsense. On other transcripts: intron variant (1).
Genome position (GRCh38, 1-based): chr7:102,097,441, C>T. VCF-style: chr7-102097441-C-T. GRCh37 (hg19) VCF-style: chr7-101740721-C-T.
Other names: c.379C>T, p.Gln127Ter (NM_001202543.2, NM_001913.5, NM_181500.4); c.331C>T, p.Gln111Ter (NM_001202544.3); c.268C>T, p.Gln90Ter (NM_001202546.3); c.302-6895C>T (NM_001202545.3); short protein forms Q116*, Q90*, Q111*, Q127*.
Identifiers: ClinVar variation 3498727 (VCV003498727.1).